The following is an entry in ClinVar:

ClinVar aggregate classification (germline): Uncertain significance (1 of 4 stars; one submission).

Conditions:
Developmental and epileptic encephalopathy 94 (DEE94). Also called: CHD2-Related Neurodevelopmental Disorders; Epileptic encephalopathy, childhood-onset. Identifiers: Orphanet 1942, Orphanet 2382, MedGen C3809278, MONDO:0014150, OMIM 615369.

Allele frequency attached by ClinVar (database versions not stated): gnomAD exomes below 0.00001.
gnomAD v4.1: 1 of 1,612,678 alleles (0.000062%); highest among the groups gnomAD compares: Non-Finnish European, 0.000085%; no homozygotes.

Submission:

Labcorp Genetics (formerly Invitae), Labcorp
Classification: Uncertain significance for Developmental and epileptic encephalopathy 94. Last evaluated: 2019-05-27. Review status: criteria provided, single submitter. Criteria: Invitae Variant Classification Sherloc (09022015). Collection method: clinical testing. Allele origin: germline.
Comment: In summary, the available evidence is currently insufficient to determine the role of this variant in disease. Therefore, it has been classified as a Variant of Uncertain Significance. Algorithms developed to predict the effect of missense changes on protein structure and function are either unavailable or do not agree on the potential impact of this missense change (SIFT: "Deleterious"; PolyPhen-2: "Benign"; Align-GVGD: "Class C15"). This variant has not been reported in the literature in individuals with CHD2-related conditions. This variant is not present in population databases (ExAC no frequency). This sequence change replaces methionine with valine at codon 993 of the CHD2 protein (p.Met993Val). The methionine residue is highly conserved and there is a small physicochemical difference between methionine and valine.

NM_001271.4(CHD2):c.2977A>G (p.Met993Val)

Genes: CHD2 (chromodomain helicase DNA binding protein 2; plus strand), LOC126862230 (P300/CBP strongly-dependent group 1 enhancer GRCh37_chr15:93523977-93525176; plus strand). Cytogenetic location: 15q26.1.
Variant type: single nucleotide variant.
Coding change: c.2977A>G on transcript NM_001271.4 (MANE Select); coding-DNA position 2977, A replaced by G.
Protein change: p.Met993Val; replaces methionine 993 with valine.
Molecular consequence: missense variant.
Genome position (GRCh38, 1-based): chr15:92,981,368, A>G. VCF-style: chr15-92981368-A-G. GRCh37 (hg19) VCF-style: chr15-93524598-A-G.
Other names: short protein forms M993V.
Identifiers: ClinVar variation 852825 (VCV000852825.10), dbSNP rs2053978485, ClinGen allele CA393894838.
Genomic context (GRCh38, chr15:92,981,368, plus strand): 5'-CTAGGCAACTCATCTGTTGCCATTTTATTCTATTCGTGTTGGCTTTTGTTCTTTTAGGAA[A>G]TGGATATAGATGAAATTTTGCGGTTGGCTGAAACGAGAGAGAATGAAGTGTCAACAAGTG-3'
Protein context (NP_001262.3, residues 983-1003): LEGEESEPQE[Met993Val]DIDEILRLAE